The following is an entry in ClinVar:

NM_001114753.3(ENG):c.1502G>A (p.Gly501Glu)

Genes: ENG (endoglin; minus strand), LOC102723566 (uncharacterized LOC102723566; plus strand). Cytogenetic location: 9q34.11.
Variant type: single nucleotide variant.
Coding change: c.1502G>A on transcript NM_001114753.3 (MANE Select); coding-DNA position 1502, G replaced by A.
Protein change: p.Gly501Glu; replaces glycine 501 with glutamic acid.
Molecular consequence: missense variant.
Genome position (GRCh38, 1-based): chr9:127,818,304, C>T on the plus strand (G>A on the coding strand, the complement: ENG is on the minus strand). VCF-style: chr9-127818304-C-T. GRCh37 (hg19) VCF-style: chr9-130580583-C-T.
Other names: c.1502G>A, p.Gly501Glu (NM_000118.4); c.956G>A, p.Gly319Glu (NM_001278138.2); short protein forms G319E, G501E.
Identifiers: ClinVar variation 1440016 (VCV001440016.9), dbSNP rs2131876010, ClinGen allele CA374975808.

ClinVar aggregate classification (germline): Uncertain significance (1 of 4 stars; one submission).

Conditions:
Hereditary hemorrhagic telangiectasia (HHT). Also called: ORW DISEASE; Osler Weber Rendu syndrome; OSLER-RENDU-WEBER DISEASE; Osler hemorrhagic telangiectasia syndrome. Identifiers: Orphanet 774, MedGen C0039445, MONDO:0019180. Disease mechanism: loss of function.

Allele frequency attached by ClinVar (database versions not stated): gnomAD exomes below 0.00001.
gnomAD v4.1: 1 of 1,614,038 alleles (0.000062%); highest among the groups gnomAD compares: Non-Finnish European, 0.000085%; no homozygotes.

Submission:

Labcorp Genetics (formerly Invitae), Labcorp
Classification: Uncertain significance for Hereditary hemorrhagic telangiectasia. Last evaluated: 2021-06-28. Review status: criteria provided, single submitter. Criteria: Invitae Variant Classification Sherloc (09022015). Collection method: clinical testing. Allele origin: germline.
Comment: This sequence change replaces glycine with glutamic acid at codon 501 of the ENG protein (p.Gly501Glu). The glycine residue is weakly conserved and there is a moderate physicochemical difference between glycine and glutamic acid. This variant is not present in population databases (ExAC no frequency). This variant has not been reported in the literature in individuals with ENG-related conditions. Advanced modeling of protein sequence and biophysical properties (such as structural, functional, and spatial information, amino acid conservation, physicochemical variation, residue mobility, and thermodynamic stability) performed at Invitae indicates that this missense variant is not expected to disrupt ENG protein function. In summary, the available evidence is currently insufficient to determine the role of this variant in disease. Therefore, it has been classified as a Variant of Uncertain Significance.